The following is an entry in ClinVar:

ClinVar aggregate classification (germline): Benign. Review status: criteria provided, multiple submitters, no conflicts (2 of 4 stars). 9 submissions from 9 submitters: Benign (6). 3 of the submissions do not count toward it. Last evaluated 2026-02-04.

Conditions:
Cardiovascular phenotype. Identifiers: MedGen CN230736.
Dilated cardiomyopathy 1KK (CMD1KK). Identifiers: Orphanet 154, Orphanet 75249, MedGen C3714995, MONDO:0014100, OMIM 615248.

Allele frequency attached by ClinVar (database versions not stated): 1000 Genomes Project 0.11661; 1000 Genomes Project 30x 0.11665; ESP Exome Variant Server 0.12610; gnomAD 0.12645 and 0.12895; TOPMed 0.12829; ExAC 0.15649; gnomAD exomes 0.16545.
gnomAD v4.1: 254,624 of 1,613,976 alleles (16%); highest among the groups gnomAD compares: Admixed American, 22%; 21,862 homozygotes.

Submissions (9):

Labcorp Genetics (formerly Invitae), Labcorp
Classification: Benign for Dilated cardiomyopathy 1KK. Last evaluated: 2026-02-04. Review status: criteria provided, single submitter. Criteria: Invitae Variant Classification Sherloc (09022015). Collection method: clinical testing. Allele origin: germline.

Mayo Clinic Laboratories, Mayo Clinic
Classification: Benign. Last evaluated: 2022-03-24. Review status: criteria provided, single submitter. Criteria: ACMG Guidelines, 2015. Collection method: clinical testing. Allele origin: germline. Observed: 438 variant alleles.

Ambry Genetics
Classification: Benign for Cardiovascular phenotype. Last evaluated: 2015-06-12. Review status: criteria provided, single submitter. Criteria: Ambry Variant Classification Scheme 2023. Collection method: clinical testing. Allele origin: germline.

Laboratory for Molecular Medicine, Mass General Brigham Personalized Medicine
Classification: Benign. Last evaluated: 2014-10-29. Review status: criteria provided, single submitter. Criteria: LMM Criteria. Collection method: clinical testing. Allele origin: germline. Observed: 142 variant alleles.
Comment: p.Thr623Thr in exon 11 of MYPN: This variant is not expected to have clinical si gnificance because it has been identified in 17% (1492/8600) of European America n chromosomes by the NHLBI Exome Sequencing Project (u/EVS/; dbSNP rs61854624).

GeneDx
Classification: Benign. Last evaluated: 2013-11-22. Review status: criteria provided, single submitter. Criteria: GeneDx Variant Classification (06012015). Collection method: clinical testing. Allele origin: germline. Affected: yes.
Comment: This variant is considered likely benign or benign based on one or more of the following criteria: it is a conservative change, it occurs at a poorly conserved position in the protein, it is predicted to be benign by multiple in silico algorithms, and/or has population frequency not consistent with disease.

Breakthrough Genomics
Classification: Benign. Review status: criteria provided, single submitter. Criteria: ACMG Guidelines, 2015. Collection method: not provided. Allele origin: germline. Inheritance: Autosomal recessive inheritance. Affected: yes.

Leiden Muscular Dystrophy (MYPN)
No classification provided. Last evaluated: 2012-04-27. Review status: no classification provided. Collection method: curation. Allele origin: germline. Not counted in ClinVar's aggregate classification.

Clinical Genetics, Academic Medical Center
Classification: Benign. Review status: no assertion criteria provided. Collection method: clinical testing. Allele origin: germline. Affected: yes. Study: VKGL Data-share Consensus. Not counted in ClinVar's aggregate classification.

Joint Genome Diagnostic Labs from Nijmegen and Maastricht, Radboudumc and MUMC+
Classification: Benign. Review status: no assertion criteria provided. Collection method: clinical testing. Allele origin: germline. Affected: yes. Study: VKGL Data-share Consensus. Not counted in ClinVar's aggregate classification.

Literature cited by the submitters: PubMed 18006477 (cited by Laboratory for Molecular Medicine, Mass General Brigham Personalized Medicine); PubMed 22286171 (cited by Laboratory for Molecular Medicine, Mass General Brigham Personalized Medicine).

NM_032578.4(MYPN):c.1869C>A (p.Thr623=)

Gene: MYPN (myopalladin; plus strand). Cytogenetic location: 10q21.3.
Variant type: single nucleotide variant.
Coding change: c.1869C>A on transcript NM_032578.4 (MANE Select); coding-DNA position 1869, C replaced by A.
Protein change: p.Thr623=; no amino-acid change (threonine 623 retained).
Molecular consequence: synonymous variant. On other transcripts: non-coding transcript variant (2).
Genome position (GRCh38, 1-based): chr10:68,166,562, C>A. VCF-style: chr10-68166562-C-A. GRCh37 (hg19) VCF-style: chr10-69926319-C-A.
Other names: p.T623T:ACC>ACA; p.Thr623=; c.1869C>A, p.Thr623= (NM_001256267.2); c.987C>A, p.Thr329= (NM_001256268.2).
Identifiers: ClinVar variation 31803 (VCV000031803.26), dbSNP rs61854624, ClinGen allele CA215304.
Genomic context (GRCh38, chr10:68,166,562, plus strand): 5'-TGAAGATGACAAAGGAAGTGAAGCATCCTCCGAGGCTGGTGTGGTGACCACCAGACAGAC[C>A]AGGCCCGATTCTTTCCAGGAGAGGTTCAACGGACAGGCAACAAAAACCCCAGAGCCTTCT-3'
Protein context (NP_115967.2, residues 613-633): SEAGVVTTRQ[Thr623=]RPDSFQERFN